The following is an entry in ClinVar:

NM_000531.6(OTC):c.963A>G (p.Ser321=)

Gene: OTC (ornithine transcarbamylase; plus strand). Cytogenetic location: Xp11.4.
Variant type: single nucleotide variant.
Coding change: c.963A>G on transcript NM_000531.6 (MANE Select); coding-DNA position 963, A replaced by G.
Protein change: p.Ser321=; no amino-acid change (serine 321 retained).
Molecular consequence: synonymous variant.
Genome position (GRCh38, 1-based): chrX:38,411,957, A>G. VCF-style: chrX-38411957-A-G. GRCh37 (hg19) VCF-style: chrX-38271210-A-G.
Identifiers: ClinVar variation 1586145 (VCV001586145.9), dbSNP rs1387377929, ClinGen allele CA515642747.

ClinVar aggregate classification (germline): Likely benign. Review status: criteria provided, multiple submitters, no conflicts (2 of 4 stars). 2 submissions from 2 submitters: Likely benign (2). Last evaluated 2025-03-17.

Conditions:
Ornithine carbamoyltransferase deficiency (OTCD). Also called: Ornithine Carbamoyltransferase Deficiency Disease; OTC DEFICIENCY; ORNITHINE TRANSCARBAMYLASE DEFICIENCY; ORNITHINE TRANSCARBAMYLASE DEFICIENCY, HYPERAMMONEMIA DUE TO. Identifiers: Orphanet 664, MedGen C0268542, MONDO:0010703, OMIM 311250.

Allele frequency attached by ClinVar (database versions not stated): gnomAD exomes 0.00001; TOPMed 0.00001; gnomAD 0.00003.
gnomAD v4.1: 13 of 1,207,865 alleles (0.0011%); highest among the groups gnomAD compares: Non-Finnish European, 0.0015%; no homozygotes.

Submissions (2):

Labcorp Genetics (formerly Invitae), Labcorp
Classification: Likely benign for Ornithine carbamoyltransferase deficiency. Last evaluated: 2025-03-17. Review status: criteria provided, single submitter. Criteria: Invitae Variant Classification Sherloc (09022015). Collection method: clinical testing. Allele origin: germline.

All of Us Research Program, National Institutes of Health
Classification: Likely benign for Ornithine carbamoyltransferase deficiency. Last evaluated: 2023-08-15. Review status: criteria provided, single submitter. Criteria: ACMG Guidelines, 2015. Collection method: clinical testing. Allele origin: germline. Inheritance: X-linked inheritance. Observed: 2 variant alleles, 2 heterozygotes.
Comment: This study involves interpretation of variants in research participants for the purpose of population health screening. Participant phenotype was not available at the time of variant classification. Additional details can be found in publication PMID: 35346344, PMCID: PMC8962531